The following is an entry in ClinVar:

ClinVar aggregate classification (germline): Uncertain significance (1 of 4 stars; one submission).

Conditions:
Achondrogenesis, type IA (ACG1A). Identifiers: Orphanet 932, Orphanet 93299, MedGen C0265273, MONDO:0008701, OMIM 200600.

Allele frequency attached by ClinVar (database versions not stated): gnomAD 0.00001.

Submission:

Labcorp Genetics (formerly Invitae), Labcorp
Classification: Uncertain significance for Achondrogenesis, type IA. Last evaluated: 2019-03-07. Review status: criteria provided, single submitter. Criteria: Invitae Variant Classification Sherloc (09022015). Collection method: clinical testing. Allele origin: germline.
Comment: This variant has not been reported in the literature in individuals with TRIP11-related disease. In summary, the available evidence is currently insufficient to determine the role of this variant in disease. Therefore, it has been classified as a Variant of Uncertain Significance. Algorithms developed to predict the effect of missense changes on protein structure and function are either unavailable or do not agree on the potential impact of this missense change (SIFT: "Deleterious"; PolyPhen-2: "Possibly Damaging"; Align-GVGD: "Class C0"). This variant is not present in population databases (ExAC no frequency). This sequence change replaces glutamic acid with glycine at codon 868 of the TRIP11 protein (p.Glu868Gly). The glutamic acid residue is moderately conserved and there is a moderate physicochemical difference between glutamic acid and glycine.

NM_004239.4(TRIP11):c.2603A>G (p.Glu868Gly)

Gene: TRIP11 (thyroid hormone receptor interactor 11; minus strand). Cytogenetic location: 14q32.12.
Variant type: single nucleotide variant.
Coding change: c.2603A>G on transcript NM_004239.4 (MANE Select); coding-DNA position 2603, A replaced by G.
Protein change: p.Glu868Gly; replaces glutamic acid 868 with glycine.
Molecular consequence: missense variant.
Genome position (GRCh38, 1-based): chr14:92,005,373, T>C on the plus strand (A>G on the coding strand, the complement: TRIP11 is on the minus strand). VCF-style: chr14-92005373-T-C. GRCh37 (hg19) VCF-style: chr14-92471717-T-C.
Other names: c.2600A>G, p.Glu867Gly (NM_001321851.1); short protein forms E867G, E868G.
Identifiers: ClinVar variation 651160 (VCV000651160.9), dbSNP rs1306336953, ClinGen allele CA390656826.